The following is an entry in ClinVar:

NM_000400.4(ERCC2):c.1138C>G (p.Arg380Gly)

Gene: ERCC2 (ERCC excision repair 2, TFIIH core complex helicase subunit; minus strand). Cytogenetic location: 19q13.32.
Variant type: single nucleotide variant.
Coding change: c.1138C>G on transcript NM_000400.4 (MANE Select); coding-DNA position 1138, C replaced by G.
Protein change: p.Arg380Gly; replaces arginine 380 with glycine.
Molecular consequence: missense variant.
Genome position (GRCh38, 1-based): chr19:45,361,623, G>C on the plus strand (C>G on the coding strand, the complement: ERCC2 is on the minus strand). VCF-style: chr19-45361623-G-C. GRCh37 (hg19) VCF-style: chr19-45864881-G-C.
Other names: c.1066C>G, p.Arg356Gly (NM_001130867.2); short protein forms R356G, R380G.
Identifiers: ClinVar variation 3276264 (VCV003276264.1).
Genomic context (GRCh38, chr19:45,361,623, plus strand): 5'-GGAGGGTGAGCGGGGAGAAGTCAGCAAGGTCGGTGATCTCCAGAGTATGCAGCAGGGACC[G>C]GAGGCGTTCAGCACAGAATCTGGCGGGGAGGAGAGACGGGGTCGGGGGGCAGACGGAAGC-3'
Protein context (NP_000391.1, residues 370-390): KPLRFCAERL[Arg380Gly]SLLHTLEITD

ClinVar aggregate classification (germline): Uncertain significance (1 of 4 stars; one submission).

Conditions:
Inborn genetic diseases. Identifiers: MedGen C0950123, MeSH D030342.

Submission:

Ambry Genetics
Classification: Uncertain significance for Inborn genetic diseases. Last evaluated: 2024-04-24. Review status: criteria provided, single submitter. Criteria: Ambry Variant Classification Scheme 2023. Collection method: clinical testing. Allele origin: germline.
Comment: The p.R380G variant (also known as c.1138C>G), located in coding exon 12 of the ERCC2 gene, results from a C to G substitution at nucleotide position 1138. The arginine at codon 380 is replaced by glycine, an amino acid with dissimilar properties. This amino acid position is conserved. In addition, the in silico prediction for this alteration is inconclusive. Based on the available evidence, the clinical significance of this variant remains unclear.